The following is an entry in ClinVar:

NM_004525.3(LRP2):c.6671A>G (p.Asn2224Ser)

Gene: LRP2 (LDL receptor related protein 2; minus strand). Cytogenetic location: 2q31.1.
Variant type: single nucleotide variant.
Coding change: c.6671A>G on transcript NM_004525.3 (MANE Select); coding-DNA position 6671, A replaced by G.
Protein change: p.Asn2224Ser; replaces asparagine 2224 with serine.
Molecular consequence: missense variant.
Genome position (GRCh38, 1-based): chr2:169,207,049, T>C on the plus strand (A>G on the coding strand, the complement: LRP2 is on the minus strand). VCF-style: chr2-169207049-T-C. GRCh37 (hg19) VCF-style: chr2-170063559-T-C.
Other names: c.6671A>G (NM_004525.2); short protein forms N2224S.
Identifiers: ClinVar variation 1475740 (VCV001475740.9), dbSNP rs957137487, ClinGen allele CA59934376.

ClinVar aggregate classification (germline): Uncertain significance. Review status: criteria provided, multiple submitters, no conflicts (2 of 4 stars). 4 submissions from 4 submitters: Uncertain significance (4). Last evaluated 2025-10-14.

Conditions:
Inborn genetic diseases. Identifiers: MedGen C0950123, MeSH D030342.
Donnai-Barrow syndrome. Also called: FACIOOCULOACOUSTICORENAL SYNDROME; DBS/FOAR SYNDROME. Identifiers: Orphanet 2143, MedGen C1857277, MONDO:0009104, OMIM 222448.

Allele frequency attached by ClinVar (database versions not stated): gnomAD 0.00001; gnomAD exomes 0.00001 and 0.00002; TOPMed 0.00001.
gnomAD v4.1: 11 of 1,614,020 alleles (0.00068%); highest among the groups gnomAD compares: East Asian, 0.011%; no homozygotes.

Submissions (4):

Ambry Genetics
Classification: Uncertain significance for Inborn genetic diseases. Last evaluated: 2025-10-14. Review status: criteria provided, single submitter. Criteria: Ambry Variant Classification Scheme 2023. Collection method: clinical testing. Allele origin: germline.

Labcorp Genetics (formerly Invitae), Labcorp
Classification: Uncertain significance. Last evaluated: 2022-03-31. Review status: criteria provided, single submitter. Criteria: Invitae Variant Classification Sherloc (09022015). Collection method: clinical testing. Allele origin: germline.
Comment: This sequence change replaces asparagine, which is neutral and polar, with serine, which is neutral and polar, at codon 2224 of the LRP2 protein (p.Asn2224Ser). This variant is present in population databases (no rsID available, gnomAD 0.02%). This variant has not been reported in the literature in individuals affected with LRP2-related conditions. Advanced modeling of protein sequence and biophysical properties (such as structural, functional, and spatial information, amino acid conservation, physicochemical variation, residue mobility, and thermodynamic stability) performed at Invitae indicates that this missense variant is expected to disrupt LRP2 protein function. Algorithms developed to predict the effect of sequence changes on RNA splicing suggest that this variant may create or strengthen a splice site. In summary, the available evidence is currently insufficient to determine the role of this variant in disease. Therefore, it has been classified as a Variant of Uncertain Significance.

Fulgent Genetics
Classification: Uncertain significance for Donnai-Barrow syndrome. Last evaluated: 2021-12-01. Review status: criteria provided, single submitter. Criteria: ACMG Guidelines, 2015. Collection method: clinical testing. Allele origin: unknown.

Juno Genomics, Hangzhou Juno Genomics, Inc
Classification: Uncertain significance for Donnai-Barrow syndrome. Review status: criteria provided, single submitter. Criteria: ACMG Guidelines, 2015. Collection method: clinical testing. Allele origin: germline.
Comment: Missense variant in a gene that has a low rate of benign missense variation.;Multiple lines of computational evidence support a deleterious effect on the gene or gene product.;Absent from controls (or at extremely low frequency if recessive) in Genome Aggregation Database.